The following is an entry in ClinVar:

ClinVar aggregate classification (germline): Uncertain significance. Review status: criteria provided, multiple submitters, no conflicts (2 of 4 stars). 2 submissions from 2 submitters: Uncertain significance (2). Last evaluated 2023-12-29.

Conditions:
Ataxia-telangiectasia-like disorder (ATLD). Identifiers: MedGen C1858391, MONDO:0011457.
Hereditary cancer-predisposing syndrome. Also called: Neoplastic Syndromes, Hereditary; Hereditary Cancer Syndrome; Tumor predisposition; Hereditary neoplastic syndrome. Identifiers: Orphanet 140162, MedGen C0027672, MeSH D009386, MONDO:0015356.

Allele frequency attached by ClinVar (database versions not stated): ExAC 0.00001; gnomAD 0.00001.
gnomAD v4.1: 1 of 1,613,522 alleles (0.000062%); highest among the groups gnomAD compares: East Asian, 0.0022%; no homozygotes.

Submissions (2):

Ambry Genetics
Classification: Uncertain significance for Hereditary cancer-predisposing syndrome. Last evaluated: 2023-12-29. Review status: criteria provided, single submitter. Criteria: Ambry Variant Classification Scheme 2023. Collection method: clinical testing. Allele origin: germline.
Comment: The p.N50T variant (also known as c.149A>C), located in coding exon 2 of the MRE11A gene, results from an A to C substitution at nucleotide position 149. The asparagine at codon 50 is replaced by threonine, an amino acid with similar properties. This amino acid position is conserved. In addition, the in silico prediction for this alteration is inconclusive. Since supporting evidence is limited at this time, the clinical significance of this alteration remains unclear.

Labcorp Genetics (formerly Invitae), Labcorp
Classification: Uncertain significance for Ataxia-telangiectasia-like disorder. Last evaluated: 2022-06-25. Review status: criteria provided, single submitter. Criteria: Invitae Variant Classification Sherloc (09022015). Collection method: clinical testing. Allele origin: germline.
Comment: This sequence change replaces asparagine, which is neutral and polar, with threonine, which is neutral and polar, at codon 50 of the MRE11 protein (p.Asn50Thr). This variant is present in population databases (rs746023147, gnomAD 0.006%). This variant has not been reported in the literature in individuals affected with MRE11-related conditions. Algorithms developed to predict the effect of missense changes on protein structure and function (SIFT, PolyPhen-2, Align-GVGD) all suggest that this variant is likely to be tolerated. In summary, the available evidence is currently insufficient to determine the role of this variant in disease. Therefore, it has been classified as a Variant of Uncertain Significance.

NM_005591.4(MRE11):c.149A>C (p.Asn50Thr)

Gene: MRE11 (MRE11 double strand break repair nuclease; minus strand). Cytogenetic location: 11q21.
Variant type: single nucleotide variant.
Coding change: c.149A>C on transcript NM_005591.4 (MANE Select); coding-DNA position 149, A replaced by C.
Protein change: p.Asn50Thr; replaces asparagine 50 with threonine.
Molecular consequence: missense variant.
Genome position (GRCh38, 1-based): chr11:94,490,837, T>G on the plus strand (A>C on the coding strand, the complement: MRE11 is on the minus strand). VCF-style: chr11-94490837-T-G. GRCh37 (hg19) VCF-style: chr11-94224003-T-G.
Other names: c.149A>C, p.Asn50Thr (NM_001330347.2, NM_005590.4); short protein forms N50T.
Identifiers: ClinVar variation 2072306 (VCV002072306.2), dbSNP rs746023147, ClinGen allele CA6235461.